The following is an entry in ClinVar:

NM_001177693.2(ARHGEF28):c.2152+4A>T

Gene: ARHGEF28 (Rho guanine nucleotide exchange factor 28; plus strand). Cytogenetic location: 5q13.2.
Variant type: single nucleotide variant.
Coding change: c.2152+4A>T on transcript NM_001177693.2 (MANE Select); 4 bases into the intron after coding-DNA position 2152, A replaced by T.
Molecular consequence: intron variant.
Genome position (GRCh38, 1-based): chr5:73,866,017, A>T. VCF-style: chr5-73866017-A-T. GRCh37 (hg19) VCF-style: chr5-73161842-A-T.
Other names: c.2152+4A>T (NM_001080479.3, NM_001388078.1); c.1858+4A>T (NM_001388076.1); c.1213+4A>T (NM_001244364.2).
Identifiers: ClinVar variation 3030725 (VCV003030725.2), dbSNP rs570259628, ClinGen allele CA3304782.

ClinVar aggregate classification (germline): Likely benign (0 of 4 stars; one submission).

Conditions:
ARHGEF28-related disorder. Also called: ARHGEF28-related condition.

Allele frequency attached by ClinVar (database versions not stated): gnomAD exomes 0.00002; TOPMed 0.00002; gnomAD 0.00006; ExAC 0.00013; 1000 Genomes Project 30x 0.00016; 1000 Genomes Project 0.00020.
gnomAD v4.1: 34 of 1,596,606 alleles (0.0021%); highest among the groups gnomAD compares: East Asian, 0.074%; no homozygotes.

Submission:

PreventionGenetics, part of Exact Sciences
Classification: Likely benign for ARHGEF28-related condition. Last evaluated: 2021-11-19. Review status: no assertion criteria provided. Collection method: clinical testing. Allele origin: germline.
Comment: This variant is classified as likely benign based on ACMG/AMP sequence variant interpretation guidelines (Richards et al. 2015 PMID: 25741868, with internal and published modifications).